The following is an entry in ClinVar:

NM_001282225.2(ADA2):c.1307T>C (p.Met436Thr)

Gene: ADA2 (adenosine deaminase 2; minus strand). Cytogenetic location: 22q11.1.
Variant type: single nucleotide variant.
Coding change: c.1307T>C on transcript NM_001282225.2 (MANE Select); coding-DNA position 1307, T replaced by C.
Protein change: p.Met436Thr; replaces methionine 436 with threonine.
Molecular consequence: missense variant.
Genome position (GRCh38, 1-based): chr22:17,181,955, A>G on the plus strand (T>C on the coding strand, the complement: ADA2 is on the minus strand). VCF-style: chr22-17181955-A-G. GRCh37 (hg19) VCF-style: chr22-17662845-A-G.
Other names: c.1307T>C, p.Met436Thr (NM_001282226.2); c.1181T>C, p.Met394Thr (NM_001282227.2, NM_001282228.2); c.947T>C, p.Met316Thr (NM_001282229.2); c.584T>C, p.Met195Thr (NM_177405.3); short protein forms M195T, M316T, M394T, M436T.
Identifiers: ClinVar variation 1399986 (VCV001399986.10), dbSNP rs775742013, ClinGen allele CA10087897.

ClinVar aggregate classification (germline): Uncertain significance. Review status: criteria provided, multiple submitters, no conflicts (2 of 4 stars). 2 submissions from 2 submitters: Uncertain significance (2). Last evaluated 2024-04-04.

Conditions:
Sneddon syndrome (SNDNS). Also called: Idiopathic livedo reticularis with systemic involvement; LIVEDO RETICULARIS AND CEREBROVASCULAR ACCIDENTS. Identifiers: Orphanet 820, MedGen C0282492, MONDO:0008436, OMIM 182410.
Deficiency of adenosine deaminase 2. Also called: VASCULITIS, AUTOINFLAMMATION, IMMUNODEFICIENCY, AND HEMATOLOGIC DEFECTS SYNDROME; Polyarteritis nodosa, childhoood-onset; Adenosine Deaminase 2 Deficiency. Identifiers: Orphanet 404553, MedGen C3887654, MONDO:0014306, OMIM 615688, MONDO:0100317.

Allele frequency attached by ClinVar (database versions not stated): ExAC 0.00001; gnomAD exomes 0.00001.
gnomAD v4.1: 4 of 1,614,154 alleles (0.00025%); highest among the groups gnomAD compares: Non-Finnish European, 0.00034%; no homozygotes.

Submissions (2):

Fulgent Genetics
Classification: Uncertain significance for Sneddon syndrome; Deficiency of adenosine deaminase 2. Last evaluated: 2024-04-04. Review status: criteria provided, single submitter. Criteria: ACMG Guidelines, 2015. Collection method: clinical testing. Allele origin: germline.

Labcorp Genetics (formerly Invitae), Labcorp
Classification: Uncertain significance for Deficiency of adenosine deaminase 2. Last evaluated: 2022-09-22. Review status: criteria provided, single submitter. Criteria: Invitae Variant Classification Sherloc (09022015). Collection method: clinical testing. Allele origin: germline.
Comment: This sequence change replaces methionine, which is neutral and non-polar, with threonine, which is neutral and polar, at codon 436 of the ADA2 protein (p.Met436Thr). Algorithms developed to predict the effect of missense changes on protein structure and function (SIFT, PolyPhen-2, Align-GVGD) all suggest that this variant is likely to be disruptive. In summary, the available evidence is currently insufficient to determine the role of this variant in disease. Therefore, it has been classified as a Variant of Uncertain Significance. This variant is present in population databases (rs775742013, gnomAD 0.002%). This missense change has been observed in individual(s) with polyarteritis nodosa (Invitae). In at least one individual the data is consistent with being in trans (on the opposite chromosome) from a pathogenic variant. ClinVar contains an entry for this variant (Variation ID: 1399986).